The following is an entry in ClinVar:

NM_001190274.2(FBXO11):c.924G>C (p.Met308Ile)

Gene: FBXO11 (F-box protein 11; minus strand). Cytogenetic location: 2p16.3.
Variant type: single nucleotide variant.
Coding change: c.924G>C on transcript NM_001190274.2 (MANE Select); coding-DNA position 924, G replaced by C.
Protein change: p.Met308Ile; replaces methionine 308 with isoleucine.
Molecular consequence: missense variant.
Genome position (GRCh38, 1-based): chr2:47,834,589, C>G on the plus strand (G>C on the coding strand, the complement: FBXO11 is on the minus strand). VCF-style: chr2-47834589-C-G. GRCh37 (hg19) VCF-style: chr2-48061728-C-G.
Other names: c.672G>C, p.Met224Ile (NM_001374325.1, NM_025133.4); short protein forms M224I, M308I.
Identifiers: ClinVar variation 1049704 (VCV001049704.9), dbSNP rs1219431687, ClinGen allele CA346811635.

ClinVar aggregate classification (germline): Benign. Review status: criteria provided, single submitter (1 of 4 stars). 2 submissions from 2 submitters: Benign (1). 1 of the submissions does not count toward it. Last evaluated 2024-03-14.

Allele frequency attached by ClinVar (database versions not stated): gnomAD exomes below 0.00001; TOPMed below 0.00001.
gnomAD v4.1: 6 of 1,574,240 alleles (0.00038%); highest among the groups gnomAD compares: Non-Finnish European, 0.00034%; no homozygotes.

Submissions (2):

Labcorp Genetics (formerly Invitae), Labcorp
Classification: Benign. Last evaluated: 2024-03-14. Review status: criteria provided, single submitter. Criteria: Invitae Variant Classification Sherloc (09022015). Collection method: clinical testing. Allele origin: germline.

Department of Pathology and Laboratory Medicine, Sinai Health System
Classification: Uncertain significance. Review status: no assertion criteria provided. Collection method: clinical testing. Allele origin: unknown. Affected: yes. Study: The Canadian Open Genetics Repository (COGR). Not counted in ClinVar's aggregate classification.
Comment: The FBXO11 p.Met308Ile variant was not identified in the literature nor was it identified in ClinVar, Cosmic or LOVD 3.0. The variant was identified in dbSNP (ID: rs1219431687) and in control databases in 1 of 222408 chromosomes at a frequency of 0.000004 (Genome Aggregation Database Feb 27, 2017). The variant was observed in the following population: Other in 1 of 5312 chromosomes (freq: 0.000188), while the variant was not observed in the African, Latino, Ashkenazi Jewish, East Asian, European (Finnish), European (non-Finnish) and South Asian populations. The variant occurs outside of the splicing consensus sequence and in silico or computational prediction software programs (SpliceSiteFinder, MaxEntScan, NNSPLICE, GeneSplicer) do not predict a difference in splicing. The p.Met308 residue is conserved in mammals but not in more distantly related organisms however four out of five computational analyses (PolyPhen-2, SIFT, AlignGVGD, BLOSUM) do not suggest a high likelihood of impact to the protein; this information is not predictive enough to rule out pathogenicity. In summary, based on the above information the clinical significance of this variant cannot be determined with certainty at this time. This variant is classified as a variant of uncertain significance.